The following is an entry in ClinVar:

ClinVar aggregate classification (germline): Uncertain significance (1 of 4 stars; one submission).

gnomAD v4.1: 31 of 1,526,232 alleles (0.002%); highest among the groups gnomAD compares: Non-Finnish European, 0.0024%; no homozygotes.

Submission:

GeneDx
Classification: Uncertain significance. Last evaluated: 2026-08-06. Review status: criteria provided, single submitter. Criteria: GeneDx Variant Classification Process June 2021. Collection method: clinical testing. Allele origin: germline.
Comment: In silico analysis supports that this missense variant has a deleterious effect on protein structure/function; Has not been previously published as pathogenic or benign to our knowledge

NM_001206744.2(TPO):c.1124G>C (p.Cys375Ser)

Gene: TPO (thyroid peroxidase; plus strand). Cytogenetic location: 2p25.3.
Variant type: single nucleotide variant.
Coding change: c.1124G>C on transcript NM_001206744.2 (MANE Select); coding-DNA position 1124, G replaced by C.
Protein change: p.Cys375Ser; replaces cysteine 375 with serine.
Molecular consequence: missense variant. On other transcripts: intron variant (1).
Genome position (GRCh38, 1-based): chr2:1,477,390, G>C. VCF-style: chr2-1477390-G-C. GRCh37 (hg19) VCF-style: chr2-1481162-G-C.
Other names: c.1124G>C, p.Cys375Ser (NM_000547.6, NM_001206745.2, NM_175719.4 and 1 more transcripts); c.820-7206G>C (NM_175722.3); short protein forms C375S.
Identifiers: ClinVar variation 4055873 (VCV004055873.2).